The following is an entry in ClinVar:

ClinVar aggregate classification (germline): Likely benign. Review status: criteria provided, single submitter (1 of 4 stars). 2 submissions from 2 submitters: Likely benign (1). 1 of the submissions does not count toward it. Last evaluated 2024-09-23.

Conditions:
GEMIN4-related disorder. Also called: GEMIN4-related condition.

Allele frequency attached by ClinVar (database versions not stated): TOPMed 0.00013; gnomAD 0.00014; ExAC 0.00023; ESP Exome Variant Server 0.00033; gnomAD exomes 0.00035.
gnomAD v4.1: 563 of 1,608,424 alleles (0.035%); highest among the groups gnomAD compares: Non-Finnish European, 0.042%; no homozygotes.

Submissions (2):

Blueprint Genetics
Classification: Likely benign. Last evaluated: 2024-09-23. Review status: criteria provided, single submitter. Criteria: ACMG Guidelines, 2015. Collection method: clinical testing. Allele origin: germline.

PreventionGenetics, part of Exact Sciences
Classification: Likely benign for GEMIN4-related condition. Last evaluated: 2019-10-21. Review status: no assertion criteria provided. Collection method: clinical testing. Allele origin: germline. Not counted in ClinVar's aggregate classification.
Comment: This variant is classified as likely benign based on ACMG/AMP sequence variant interpretation guidelines (Richards et al. 2015 PMID: 25741868, with internal and published modifications).

NM_015721.3(GEMIN4):c.2832T>C (p.Cys944=)

Gene: GEMIN4 (gem nuclear organelle associated protein 4; minus strand). Cytogenetic location: 17p13.3.
Variant type: single nucleotide variant.
Coding change: c.2832T>C on transcript NM_015721.3 (MANE Select); coding-DNA position 2832, T replaced by C.
Protein change: p.Cys944=; no amino-acid change (cysteine 944 retained).
Molecular consequence: synonymous variant.
Genome position (GRCh38, 1-based): chr17:745,211, A>G on the plus strand (T>C on the coding strand, the complement: GEMIN4 is on the minus strand). VCF-style: chr17-745211-A-G. GRCh37 (hg19) VCF-style: chr17-648451-A-G.
Identifiers: ClinVar variation 3039983 (VCV003039983.3), dbSNP rs373257688, ClinGen allele CA8262354.